The following is an entry in ClinVar:

NM_001277115.2(DNAH11):c.812A>G (p.His271Arg)

Gene: DNAH11 (dynein axonemal heavy chain 11; plus strand). Cytogenetic location: 7p15.3.
Variant type: single nucleotide variant.
Coding change: c.812A>G on transcript NM_001277115.2 (MANE Select); coding-DNA position 812, A replaced by G.
Protein change: p.His271Arg; replaces histidine 271 with arginine.
Molecular consequence: missense variant.
Genome position (GRCh38, 1-based): chr7:21,559,722, A>G. VCF-style: chr7-21559722-A-G. GRCh37 (hg19) VCF-style: chr7-21599340-A-G.
Other names: c.812A>G, p.His271Arg (NM_003777.3); c.812A>G (NM_001277115.1); short protein forms H271R.
Identifiers: ClinVar variation 1970993 (VCV001970993.6), dbSNP rs1240440566, ClinGen allele CA366932943.

ClinVar aggregate classification (germline): Conflicting classifications of pathogenicity. Review status: criteria provided, conflicting classifications (1 of 4 stars). 2 submissions from 2 submitters: Uncertain significance (1); Likely benign (1). Last evaluated 2024-11-05.

Conditions:
Primary ciliary dyskinesia. Also called: Ciliary dyskinesia. Identifiers: Orphanet 244, MedGen C0008780, MONDO:0016575, HP:0012265.

Allele frequency attached by ClinVar (database versions not stated): TOPMed below 0.00001.
gnomAD v4.1: 1 of 1,609,800 alleles (0.000062%); highest among the groups gnomAD compares: Admixed American, 0.0017%; no homozygotes.

Submissions (2):

Labcorp Genetics (formerly Invitae), Labcorp
Classification: Likely benign for Primary ciliary dyskinesia. Last evaluated: 2024-11-05. Review status: criteria provided, single submitter. Criteria: Invitae Variant Classification Sherloc (09022015). Collection method: clinical testing. Allele origin: germline.

GeneDx
Classification: Uncertain significance. Last evaluated: 2023-02-04. Review status: criteria provided, single submitter. Criteria: GeneDx Variant Classification Process June 2021. Collection method: clinical testing. Allele origin: germline. Affected: yes.
Comment: Not observed at significant frequency in large population cohorts (gnomAD); In silico analysis supports that this missense variant has a deleterious effect on protein structure/function; Has not been previously published as pathogenic or benign to our knowledge